The following is an entry in ClinVar:

NM_000466.3(PEX1):c.1375G>T (p.Glu459Ter)

Gene: PEX1 (peroxisomal biogenesis factor 1; minus strand). Cytogenetic location: 7q21.2.
Variant type: single nucleotide variant.
Coding change: c.1375G>T on transcript NM_000466.3 (MANE Select); coding-DNA position 1375, G replaced by T.
Protein change: p.Glu459Ter; replaces glutamic acid 459 with a stop codon.
Molecular consequence: nonsense.
Genome position (GRCh38, 1-based): chr7:92,511,688, C>A on the plus strand (G>T on the coding strand, the complement: PEX1 is on the minus strand). VCF-style: chr7-92511688-C-A. GRCh37 (hg19) VCF-style: chr7-92141002-C-A.
Other names: c.1375G>T, p.Glu459Ter (NM_001282677.2); c.751G>T, p.Glu251Ter (NM_001282678.2); short protein forms E251*, E459*.
Identifiers: ClinVar variation 1981810 (VCV001981810.6), dbSNP rs2484687761, ClinGen allele CA368191489.

ClinVar aggregate classification (germline): Pathogenic/Likely pathogenic. Review status: criteria provided, multiple submitters, no conflicts (2 of 4 stars). 3 submissions from 3 submitters: Pathogenic (1); Likely pathogenic (2). Last evaluated 2024-05-17.

Conditions:
Peroxisome biogenesis disorder 1B (PBD1B). Also called: Refsum disease, infantile form; Infantile Refsum disease; Infantile form of phytanic acid storage disease; PEROXISOME BIOGENESIS DISORDER (NEONATAL ADRENOLEUKODYSTROPHY/INFANTILE REFSUM DISEASE); INFANTILE PHYTANIC ACID STORAGE DISEASE; PEROXISOME BIOGENESIS DISORDER (NALD/IRD). Identifiers: Orphanet 44, MedGen C0282527, MONDO:0011101, OMIM 601539.
Peroxisome biogenesis disorder 1A (Zellweger) (PBD1A). Also called: Zellweger leukodystrophy; Peroxisome biogenesis disorder 1a. Identifiers: MedGen C4721541, MONDO:0008953, OMIM 214100.
Heimler syndrome 1 (HMLR1). Also called: PEROXISOME BIOGENESIS DISORDER 1C. Identifiers: Orphanet 3220, MedGen C4551980, OMIM 234580, MONDO:0024544.
Zellweger spectrum disorders (ZS). Also called: Zellweger Spectrum Disorder; Zellweger syndrome; Zellweger Spectrum Disorder (ZSD); Zellweger Spectrum. Identifiers: Orphanet 912, MedGen C0043459, MONDO:0019609.

Submissions (3):

Fulgent Genetics
Classification: Likely pathogenic for Peroxisome biogenesis disorder 1A (Zellweger); Heimler syndrome 1; Peroxisome biogenesis disorder 1B. Last evaluated: 2024-05-17. Review status: criteria provided, single submitter. Criteria: ACMG Guidelines, 2015. Collection method: clinical testing. Allele origin: germline.

Baylor Genetics
Classification: Likely pathogenic for Heimler syndrome 1. Last evaluated: 2024-03-06. Review status: criteria provided, single submitter. Criteria: ACMG Guidelines, 2015. Collection method: clinical testing. Allele origin: unknown.

Labcorp Genetics (formerly Invitae), Labcorp
Classification: Pathogenic for Zellweger spectrum disorders. Last evaluated: 2023-01-28. Review status: criteria provided, single submitter. Criteria: Invitae Variant Classification Sherloc (09022015). Collection method: clinical testing. Allele origin: germline.
Comment: This variant is not present in population databases (gnomAD no frequency). This sequence change creates a premature translational stop signal (p.Glu459*) in the PEX1 gene. It is expected to result in an absent or disrupted protein product. Loss-of-function variants in PEX1 are known to be pathogenic (PMID: 9398847, 16086329, 16141001, 21031596, 26387595, 31831025). This variant has not been reported in the literature in individuals affected with PEX1-related conditions. For these reasons, this variant has been classified as Pathogenic.

Literature cited by the submitters: PubMed 9398847 (cited by Labcorp Genetics (formerly Invitae), Labcorp); PubMed 16086329 (cited by Labcorp Genetics (formerly Invitae), Labcorp); PubMed 16141001 (cited by Labcorp Genetics (formerly Invitae), Labcorp); PubMed 21031596 (cited by Labcorp Genetics (formerly Invitae), Labcorp); PubMed 26387595 (cited by Labcorp Genetics (formerly Invitae), Labcorp); PubMed 31831025 (cited by Labcorp Genetics (formerly Invitae), Labcorp).